The following is an entry in ClinVar:

ClinVar aggregate classification (germline): Benign (1 of 4 stars; one submission).

gnomAD v4.1: 5,994 of 1,558,334 alleles (0.38%); highest among the groups gnomAD compares: Non-Finnish European, 0.48%; 26 homozygotes.

Submission:

CeGaT Center for Human Genetics Tuebingen
Classification: Benign. Last evaluated: 2026-08-01. Review status: criteria provided, single submitter. Criteria: CeGaT Center For Human Genetics Tuebingen Variant Classification Criteria Version 2. Collection method: clinical testing. Allele origin: germline. Affected: yes. Observed: 10 variant alleles.
Comment: SMARCA5: BP4, BP7, BS1, BS2

NM_003601.4(SMARCA5):c.2388T>C (p.Ile796=)

Gene: SMARCA5 (SNF2 related chromatin remodeling ATPase 5; plus strand). Cytogenetic location: 4q31.21.
Variant type: single nucleotide variant.
Coding change: c.2388T>C on transcript NM_003601.4 (MANE Select); coding-DNA position 2388, T replaced by C.
Protein change: p.Ile796=; no amino-acid change (isoleucine 796 retained).
Molecular consequence: synonymous variant.
Genome position (GRCh38, 1-based): chr4:143,545,574, T>C. VCF-style: chr4-143545574-T-C. GRCh37 (hg19) VCF-style: chr4-144466727-T-C.
Identifiers: ClinVar variation 3898104 (VCV003898104.7).